The following is an entry in ClinVar:

NM_198253.3(TERT):c.2516C>T (p.Thr839Met)

Gene: TERT (telomerase reverse transcriptase; minus strand). Cytogenetic location: 5p15.33.
Variant type: single nucleotide variant.
Coding change: c.2516C>T on transcript NM_198253.3 (MANE Select); coding-DNA position 2516, C replaced by T.
Protein change: p.Thr839Met; replaces threonine 839 with methionine.
Molecular consequence: missense variant. On other transcripts: non-coding transcript variant (2).
Genome position (GRCh38, 1-based): chr5:1,268,586, G>A on the plus strand (C>T on the coding strand, the complement: TERT is on the minus strand). VCF-style: chr5-1268586-G-A. GRCh37 (hg19) VCF-style: chr5-1268701-G-A.
Other names: p.Thr839Met; c.2516C>T, p.Thr839Met (NM_001193376.3); short protein forms T839M.
Identifiers: ClinVar variation 654228 (VCV000654228.7), dbSNP rs748503447, ClinGen allele CA3184473.

ClinVar aggregate classification (germline): Uncertain significance. Review status: criteria provided, multiple submitters, no conflicts (2 of 4 stars). 2 submissions from 2 submitters: Uncertain significance (2). Last evaluated 2025-07-21.

Conditions:
Idiopathic Pulmonary Fibrosis. Also called: Idiopathic fibrosing alveolitis, chronic form; idiopathic fibrosing alveolitis. Identifiers: Orphanet 2032, MedGen C1800706, MeSH D054990, MONDO:0800504.
Dyskeratosis congenita, autosomal dominant 2. Identifiers: MedGen C3151443, MONDO:0013521, OMIM 613989.

Allele frequency attached by ClinVar (database versions not stated): ExAC 0.00001; gnomAD exomes 0.00001.
gnomAD v4.1: 4 of 1,613,440 alleles (0.00025%); highest among the groups gnomAD compares: East Asian, 0.0022%; no homozygotes.

Submissions (2):

Labcorp Genetics (formerly Invitae), Labcorp
Classification: Uncertain significance for Dyskeratosis congenita, autosomal dominant 2; Idiopathic Pulmonary Fibrosis. Last evaluated: 2025-07-21. Review status: criteria provided, single submitter. Criteria: Invitae Variant Classification Sherloc (09022015). Collection method: clinical testing. Allele origin: germline.
Comment: This sequence change replaces threonine, which is neutral and polar, with methionine, which is neutral and non-polar, at codon 839 of the TERT protein (p.Thr839Met). This variant is present in population databases (rs748503447, gnomAD 0.006%). This variant has not been reported in the literature in individuals affected with TERT-related conditions. ClinVar contains an entry for this variant (Variation ID: 654228). Invitae Evidence Modeling of protein sequence and biophysical properties (such as structural, functional, and spatial information, amino acid conservation, physicochemical variation, residue mobility, and thermodynamic stability) indicates that this missense variant is expected to disrupt TERT protein function with a positive predictive value of 95%. In summary, the available evidence is currently insufficient to determine the role of this variant in disease. Therefore, it has been classified as a Variant of Uncertain Significance.

Mayo Clinic Laboratories, Mayo Clinic
Classification: Uncertain significance. Last evaluated: 2023-10-10. Review status: criteria provided, single submitter. Criteria: ACMG Guidelines, 2015. Collection method: clinical testing. Allele origin: germline. Observed: 3 variant alleles.